The following is an entry in ClinVar:

NM_032119.4(ADGRV1):c.15987C>T (p.Tyr5329=)

Gene: ADGRV1 (adhesion G protein-coupled receptor V1; plus strand). Cytogenetic location: 5q14.3.
Variant type: single nucleotide variant.
Coding change: c.15987C>T on transcript NM_032119.4 (MANE Select); coding-DNA position 15987, C replaced by T.
Protein change: p.Tyr5329=; no amino-acid change (tyrosine 5329 retained).
Molecular consequence: synonymous variant. On other transcripts: non-coding transcript variant (1).
Genome position (GRCh38, 1-based): chr5:90,811,247, C>T. VCF-style: chr5-90811247-C-T. GRCh37 (hg19) VCF-style: chr5-90107064-C-T.
Identifiers: ClinVar variation 286688 (VCV000286688.18), dbSNP rs142097643, ClinGen allele CA3342016.
Genomic context (GRCh38, chr5:90,811,247, plus strand): 5'-ACGTAAAGTATCAGTTCAAATTTTGGATGATGATGAGCCTGAGGGGCAGGAATTCTTCTA[C>T]GTGTTTCTCACAAACCCTCAAGGGGGAGCACAGATTGTGGAGGAGAAGGATGATACTGGA-3'
Protein context (NP_115495.3, residues 5319-5339): DDEPEGQEFF[Tyr5329=]VFLTNPQGGA

ClinVar aggregate classification (germline): Conflicting classifications of pathogenicity. Review status: criteria provided, conflicting classifications (1 of 4 stars). 5 submissions from 5 submitters: Uncertain significance (1); Likely benign (4). Last evaluated 2025-12-16.

Conditions:
ADGRV1-related disorder. Also called: ADGRV1-related condition; ADGRV1-related disorders.

Allele frequency attached by ClinVar (database versions not stated): ExAC 0.00003; gnomAD exomes 0.00003; TOPMed 0.00005; gnomAD 0.00006; ESP Exome Variant Server 0.00017; 1000 Genomes Project 30x 0.00031; 1000 Genomes Project 0.00040.
gnomAD v4.1: 49 of 1,612,472 alleles (0.003%); highest among the groups gnomAD compares: African/African-American, 0.011%; no homozygotes.

Submissions (5):

PreventionGenetics, part of Exact Sciences
Classification: Likely benign for ADGRV1-related condition. Last evaluated: 2025-12-16. Review status: criteria provided, single submitter. Criteria: ACMG Guidelines, 2015. Collection method: clinical testing. Allele origin: germline.
Comment: This variant is classified as likely benign based on ACMG/AMP sequence variant interpretation guidelines (Richards et al. 2015 PMID: 25741868, with internal and published modifications).

Labcorp Genetics (formerly Invitae), Labcorp
Classification: Likely benign. Last evaluated: 2025-05-21. Review status: criteria provided, single submitter. Criteria: Invitae Variant Classification Sherloc (09022015). Collection method: clinical testing. Allele origin: germline.

Blueprint Genetics
Classification: Likely benign. Last evaluated: 2022-09-02. Review status: criteria provided, single submitter. Criteria: ACMG Guidelines, 2015. Collection method: clinical testing. Allele origin: germline.

GeneDx
Classification: Likely benign. Last evaluated: 2018-10-05. Review status: criteria provided, single submitter. Criteria: GeneDx Variant Classification Process June 2021. Collection method: clinical testing. Allele origin: germline. Affected: yes.

Eurofins Ntd Llc (ga)
Classification: Uncertain significance. Last evaluated: 2016-03-22. Review status: criteria provided, single submitter. Criteria: EGL Classification Definitions 2015. Collection method: clinical testing. Allele origin: germline. Observed: 1 variant allele, 1 heterozygote.